The following is an entry in ClinVar:

ClinVar aggregate classification (germline): Uncertain significance (1 of 4 stars; one submission).

Conditions:
LAMA2-related muscular dystrophy (LAMA2-RD). Also called: Laminin alpha 2-related dystrophy. Identifiers: MedGen C5679788, MONDO:0100228.

Submission:

Labcorp Genetics (formerly Invitae), Labcorp
Classification: Uncertain significance for LAMA2-related muscular dystrophy. Last evaluated: 2019-04-01. Review status: criteria provided, single submitter. Criteria: Invitae Variant Classification Sherloc (09022015). Collection method: clinical testing. Allele origin: germline.
Comment: In summary, the available evidence is currently insufficient to determine the role of this variant in disease. Therefore, it has been classified as a Variant of Uncertain Significance. Algorithms developed to predict the effect of missense changes on protein structure and function output the following: SIFT: "Tolerated"; PolyPhen-2: "Benign"; Align-GVGD: "Class C0". The arginine amino acid residue is found in multiple mammalian species, suggesting that this missense change does not adversely affect protein function. These predictions have not been confirmed by published functional studies and their clinical significance is uncertain. This variant has not been reported in the literature in individuals with LAMA2-related conditions. This variant is not present in population databases (ExAC no frequency). This sequence change replaces glutamine with arginine at codon 576 of the LAMA2 protein (p.Gln576Arg). The glutamine residue is weakly conserved and there is a small physicochemical difference between glutamine and arginine.

NM_000426.4(LAMA2):c.1727A>G (p.Gln576Arg)

Gene: LAMA2 (laminin subunit alpha 2; plus strand). Cytogenetic location: 6q22.33.
Variant type: single nucleotide variant.
Coding change: c.1727A>G on transcript NM_000426.4 (MANE Select); coding-DNA position 1727, A replaced by G.
Protein change: p.Gln576Arg; replaces glutamine 576 with arginine.
Molecular consequence: missense variant.
Genome position (GRCh38, 1-based): chr6:129,192,798, A>G. VCF-style: chr6-129192798-A-G. GRCh37 (hg19) VCF-style: chr6-129513943-A-G.
Other names: c.1727A>G, p.Gln576Arg (NM_001079823.2); short protein forms Q576R.
Identifiers: ClinVar variation 835224 (VCV000835224.10), dbSNP rs1278914708, ClinGen allele CA365608335.